The following is an entry in ClinVar:

NM_001271938.2(MEGF8):c.5380G>T (p.Gly1794Trp)

Gene: MEGF8 (multiple EGF like domains 8; plus strand). Cytogenetic location: 19q13.2.
Variant type: single nucleotide variant.
Coding change: c.5380G>T on transcript NM_001271938.2 (MANE Select); coding-DNA position 5380, G replaced by T.
Protein change: p.Gly1794Trp; replaces glycine 1794 with tryptophan.
Molecular consequence: missense variant.
Genome position (GRCh38, 1-based): chr19:42,359,134, G>T. VCF-style: chr19-42359134-G-T. GRCh37 (hg19) VCF-style: chr19-42863286-G-T.
Other names: c.5179G>T, p.Gly1727Trp (NM_001410.3); short protein forms G1727W, G1794W.
Identifiers: ClinVar variation 2045890 (VCV002045890.4), dbSNP rs144734416, ClinGen allele CA9475558.

ClinVar aggregate classification (germline): Uncertain significance (1 of 4 stars; one submission).

Conditions:
MEGF8-related Carpenter syndrome. Also called: Carpenter syndrome 2. Identifiers: Orphanet 65759, MedGen C3554247, MONDO:0013998, OMIM 614976.

Allele frequency attached by ClinVar (database versions not stated): ExAC 0.00032; 1000 Genomes Project 30x 0.00109; gnomAD exomes 0.00002; gnomAD 0.00027; 1000 Genomes Project 0.00100; ESP Exome Variant Server 0.00031.

Submission:

Labcorp Genetics (formerly Invitae), Labcorp
Classification: Uncertain significance for MEGF8-related Carpenter syndrome. Last evaluated: 2022-08-31. Review status: criteria provided, single submitter. Criteria: Invitae Variant Classification Sherloc (09022015). Collection method: clinical testing. Allele origin: germline.
Comment: In summary, the available evidence is currently insufficient to determine the role of this variant in disease. Therefore, it has been classified as a Variant of Uncertain Significance. Algorithms developed to predict the effect of missense changes on protein structure and function are either unavailable or do not agree on the potential impact of this missense change (SIFT: "Deleterious"; PolyPhen-2: "Benign"; Align-GVGD: "Class C0"). This variant has not been reported in the literature in individuals affected with MEGF8-related conditions. This variant is present in population databases (rs144734416, gnomAD 0.1%). This sequence change replaces glycine, which is neutral and non-polar, with tryptophan, which is neutral and slightly polar, at codon 1727 of the MEGF8 protein (p.Gly1727Trp).